The following is an entry in ClinVar:

ClinVar aggregate classification (germline): Likely pathogenic (1 of 4 stars; one submission).

Submission:

Genetic Services Laboratory, University of Chicago
Classification: Likely pathogenic. Last evaluated: 2025-08-21. Review status: criteria provided, single submitter. Criteria: ACMG Guidelines, 2015. Collection method: clinical testing. Allele origin: germline.
Comment: The c.266_270+1del variant: Results in a deletion of 6 base pairs in exon 2 and creation of a premature stop codon at 44 amino acids downstream from this variant, p.Glu89Aspfs*44. Is predicted to result in an abnormal transcript, which may be degraded, or may lead to the production of a truncated ALG9 protein with potential abnormal function. Loss of function mutations have been previously described in individuals with ALG9-related polycystic kidney disorders (PMID: 31395617, 36573973). Has not been described in population databases such as gnomAD v4. ClinVar does not contain an entry for this variant. Collectively this evidence indicates that this variant is likely pathogenic; however functional studies have not been performed to prove this conclusively.

NM_024740.2(ALG9):c.266_270+1del

Gene: ALG9 (ALG9 alpha-1,2-mannosyltransferase; minus strand). Cytogenetic location: 11q23.1.
Variant type: Deletion.
Coding change: c.266_270+1del on transcript NM_024740.2 (MANE Select); coding-DNA position 266 through the canonical splice donor site of the intron after coding-DNA position 270, 6 bases deleted (AGCCAG; older notation c.266_270+1delAGCCAG).
Molecular consequence: splice donor variant. On other transcripts: 5 prime UTR variant (5), intron variant (1).
Genome position (GRCh38, 1-based): chr11:111,870,231-111,870,236, CTGGCT deleted on the plus strand (AGCCAG on the coding strand, the reverse complement: ALG9 is on the minus strand); deleting any 6 consecutive bases within chr11:111,870,231-111,870,237 gives the same sequence; the c. name uses the placement nearest the transcript's 3' end. VCF-style (leftmost placement, unchanged base first): chr11-111870230-ACTGGCT-A. GRCh37 (hg19) VCF-style: chr11-111740953-ACTGGCT-A.
Other names: c.-252_-247del (NM_001352410.1, NM_001352411.2, NM_001352413.1 and 2 more transcripts); c.-244+1116_-244+1121del (NM_001352409.1); c.266_270+1del (NM_001352418.1, NM_001441206.1, NM_001352417.1 and 4 more transcripts); c.-248_-244+1del (NM_001352412.2, NM_001352414.2, NM_001077692.2 and 5 more transcripts); c.-466_-462+1del (NM_001352422.2).
Identifiers: ClinVar variation 5010238 (VCV005010238.1).